The following is an entry in ClinVar:

NM_014915.3(ANKRD26):c.3606C>G (p.His1202Gln)

Gene: ANKRD26 (ankyrin repeat domain 26; minus strand). Cytogenetic location: 10p12.1.
Variant type: single nucleotide variant.
Coding change: c.3606C>G on transcript NM_014915.3 (MANE Select); coding-DNA position 3606, C replaced by G.
Protein change: p.His1202Gln; replaces histidine 1202 with glutamine.
Molecular consequence: missense variant.
Genome position (GRCh38, 1-based): chr10:27,034,844, G>C on the plus strand (C>G on the coding strand, the complement: ANKRD26 is on the minus strand). VCF-style: chr10-27034844-G-C. GRCh37 (hg19) VCF-style: chr10-27323773-G-C.
Other names: c.3603C>G, p.His1201Gln (NM_001256053.2); short protein forms H1201Q, H1202Q.
Identifiers: ClinVar variation 3913316 (VCV003913316.2).

ClinVar aggregate classification (germline): Uncertain significance. Review status: criteria provided, multiple submitters, no conflicts (2 of 4 stars). 2 submissions from 2 submitters: Uncertain significance (2). Last evaluated 2026-02-11.

Conditions:
Inborn genetic diseases. Identifiers: MedGen C0950123, MeSH D030342.
Thrombocytopenia 2 (THC2). Also called: ANKRD26-Related Thrombocytopenia. Identifiers: Orphanet 268322, MedGen C1861185, MONDO:0008555, OMIM 188000.

gnomAD v4.1: 2 of 1,610,612 alleles (0.00012%); highest among the groups gnomAD compares: Non-Finnish European, 0.00017%; no homozygotes.

Submissions (2):

St. Jude Molecular Pathology, St. Jude Children's Research Hospital
Classification: Uncertain significance for Thrombocytopenia 2. Last evaluated: 2026-02-11. Review status: criteria provided, single submitter. Criteria: St. Jude Assertion Criteria 2020. Collection method: clinical testing. Allele origin: germline.
Comment: The ANKRD26 c.3606C>G p.(His1202Gln) missense change is absent in gnomAD v2.1.1. This variant is not located in the 5' UTR. The in silico tool REVEL predicts a benign effect on protein function, but to our knowledge this prediction has not been confirmed by functional studies. To our knowledge, this variant has not been reported in the literature in individuals with ANKRD26-related thrombocytopenia. In summary, the evidence currently available is insufficient to determine the clinical significance of this variant. It has therefore been classified as of uncertain significance.

Ambry Genetics
Classification: Uncertain significance for Inborn genetic diseases. Last evaluated: 2025-03-28. Review status: criteria provided, single submitter. Criteria: Ambry Variant Classification Scheme 2023. Collection method: clinical testing. Allele origin: germline.
Comment: The p.H1202Q variant (also known as c.3606C>G), located in coding exon 24 of the ANKRD26 gene, results from a C to G substitution at nucleotide position 3606. The histidine at codon 1202 is replaced by glutamine, an amino acid with highly similar properties. This amino acid position is conserved. In addition, this alteration is predicted to be tolerated by in silico analysis. Based on the available evidence, the clinical significance of this variant remains unclear.